The following is an entry in ClinVar:

NM_002878.4(RAD51D):c.144G>A (p.Lys48=)

Genes: RAD51L3-RFFL (RAD51L3-RFFL readthrough; minus strand), RAD51D (RAD51 paralog D; minus strand). Cytogenetic location: 17q12.
Variant type: single nucleotide variant.
Coding change: c.144G>A on transcript NM_002878.4 (MANE Select); coding-DNA position 144, G replaced by A.
Protein change: p.Lys48=; no amino-acid change (lysine 48 retained).
Molecular consequence: synonymous variant. On other transcripts: non-coding transcript variant (2).
Genome position (GRCh38, 1-based): chr17:35,119,111, C>T on the plus strand (G>A on the coding strand, the complement: RAD51D is on the minus strand). VCF-style: chr17-35119111-C-T. GRCh37 (hg19) VCF-style: chr17-33446130-C-T.
Other names: c.144G>A, p.Lys48= (NM_001142571.2, NM_133629.3).
Identifiers: ClinVar variation 2834934 (VCV002834934.5), dbSNP rs2142477120, ClinGen allele CA499732382.
Genomic context (GRCh38, chr17:35,119,111, plus strand): 5'-GCTTGGGATGGACTTTTTAAAAAGACACTCAGGTTTGGAATGTGGAGATCAGGAGCTCAC[C>T]TTGTAAGACAAGCCACATTTCTGAGCTACCTCTTCCAGGTCTGCAGAAACCAGGTCCACC-3'
Protein context (NP_002869.3, residues 38-58): EVAQKCGLSY[Lys48=]ALVALRRVLL

ClinVar aggregate classification (germline): Conflicting classifications of pathogenicity. Review status: criteria provided, conflicting classifications (1 of 4 stars). 2 submissions from 2 submitters: Likely pathogenic (1); Uncertain significance (1). Last evaluated 2026-08-11.

Conditions:
Breast-ovarian cancer, familial, susceptibility to, 4. Identifiers: Orphanet 145, MedGen C3280345, MONDO:0013669, OMIM 614291.
Hereditary cancer-predisposing syndrome. Also called: Hereditary Cancer Syndrome; Hereditary neoplastic syndrome; Neoplastic Syndromes, Hereditary; Tumor predisposition. Identifiers: Orphanet 140162, MedGen C0027672, MeSH D009386, MONDO:0015356.

Submissions (2):

Ambry Genetics
Classification: Likely pathogenic for Hereditary cancer-predisposing syndrome. Last evaluated: 2026-08-11. Review status: criteria provided, single submitter. Criteria: Ambry Variant Classification Scheme 2023. Collection method: clinical testing. Allele origin: germline.
Comment: The c.144G>A variant (also known as p.K48K), located in coding exon 2 of the RAD51D gene, results from a G to A substitution at nucleotide position 144. This nucleotide substitution does not change the amino acid at codon 48. However, this change occurs in the last base pair of coding exon 2, which makes it likely to have some effect on normal mRNA splicing. This nucleotide position is highly conserved in available vertebrate species. In silico splice site analysis predicts that this alteration will weaken the native splice donor site. RNA studies have demonstrated that this variant results in abnormal splicing in the set of samples tested (Ambry internal data). This variant is considered to be rare based on population cohorts in the Genome Aggregation Database (gnomAD). Based on the majority of available evidence to date, this variant is likely to be pathogenic.

Labcorp Genetics (formerly Invitae), Labcorp
Classification: Uncertain significance for Breast-ovarian cancer, familial, susceptibility to, 4. Last evaluated: 2023-02-06. Review status: criteria provided, single submitter. Criteria: Invitae Variant Classification Sherloc (09022015). Collection method: clinical testing. Allele origin: germline.
Comment: This sequence change affects codon 48 of the RAD51D mRNA. It is a 'silent' change, meaning that it does not change the encoded amino acid sequence of the RAD51D protein. This variant also falls at the last nucleotide of exon 2, which is part of the consensus splice site for this exon. In summary, the available evidence is currently insufficient to determine the role of this variant in disease. Therefore, it has been classified as a Variant of Uncertain Significance. Variants that disrupt the consensus splice site are a relatively common cause of aberrant splicing (PMID: 17576681, 9536098). Algorithms developed to predict the effect of sequence changes on RNA splicing suggest that this variant may disrupt the consensus splice site. This variant has not been reported in the literature in individuals affected with RAD51D-related conditions. This variant is not present in population databases (gnomAD no frequency).

Literature cited by the submitters: PubMed 17576681 (cited by Labcorp Genetics (formerly Invitae), Labcorp); PubMed 9536098 (cited by Labcorp Genetics (formerly Invitae), Labcorp).